The following is an entry in ClinVar:

ClinVar aggregate classification (germline): Likely pathogenic (1 of 4 stars; one submission).

Submission:

Labcorp Genetics (formerly Invitae), Labcorp
Classification: Likely pathogenic. Last evaluated: 2023-07-18. Review status: criteria provided, single submitter. Criteria: Invitae Variant Classification Sherloc (09022015). Collection method: clinical testing. Allele origin: unknown.
Comment: In summary, the currently available evidence indicates that the variant is pathogenic, but additional data are needed to prove that conclusively. Therefore, this variant has been classified as Likely Pathogenic. This variant has not been reported in the literature in individuals affected with OTOF-related conditions. This variant results in a copy number gain of the genomic region encompassing exon(s) 6-9 of the OTOF gene. While the exact position of this variant cannot be determined from the data, sub-genic copy number gains are generally in tandem (PMID: 25640679). This variant is predicted to be out-of-frame, and may result in an absent or disrupted protein product. Loss-of-function variants in OTOF are known to be pathogenic (PMID: 18381613, 19250381, 22575033).

Literature cited by the submitters: PubMed 25640679; PubMed 18381613; PubMed 19250381; PubMed 22575033.

NC_000002.11:g.(?_26717790)_(26726733_?)dup

Gene: OTOF (otoferlin; minus strand). Cytogenetic location: 2p23.3.
Variant type: Duplication.
Identifiers: ClinVar variation 3247616 (VCV003247616.1).